The following is an entry in ClinVar:

ClinVar aggregate classification (germline): Pathogenic (1 of 4 stars; one submission).

Conditions:
Neurofibromatosis, type 1 (NF1). Also called: Peripheral type neurofibromatosis; Neurofibromatosis, type I; VON RECKLINGHAUSEN DISEASE; NEUROFIBROMATOSIS, TYPE I, SOMATIC. Identifiers: Orphanet 636, MedGen C0027831, MONDO:0018975, OMIM 162200. Disease mechanism: loss of function.

Submission:

Labcorp Genetics (formerly Invitae), Labcorp
Classification: Pathogenic for Neurofibromatosis, type 1. Last evaluated: 2025-08-18. Review status: criteria provided, single submitter. Criteria: Invitae Variant Classification Sherloc (09022015). Collection method: clinical testing. Allele origin: germline.
Comment: This sequence change creates a premature translational stop signal (p.Leu1638Serfs*39) in the NF1 gene. It is expected to result in an absent or disrupted protein product. Loss-of-function variants in NF1 are known to be pathogenic (PMID: 10712197, 23913538). This variant is not present in population databases (gnomAD no frequency). This premature translational stop signal has been observed in individual(s) with clinical features of NF1-related conditions (PMID: 21520333). Invitae Evidence Modeling of clinical and family history, age, sex, and reported ancestry of multiple individuals with this NF1 variant has been performed. This variant is expected to be pathogenic with a positive predictive value of at least 99%. This is a validated machine learning model that incorporates the clinical features of 1,785,918 individuals referred to our laboratory for NF1 testing. ClinVar contains an entry for this variant (Variation ID: 946762). For these reasons, this variant has been classified as Pathogenic.

Literature cited by the submitters: PubMed 10712197; PubMed 23913538; PubMed 21520333.

NM_001042492.3(NF1):c.4974del (p.Leu1659fs)

Gene: NF1 (neurofibromin 1; plus strand). Cytogenetic location: 17q11.2.
Variant type: Deletion.
Coding change: c.4974del on transcript NM_001042492.3 (MANE Select); coding-DNA position 4974, one base deleted (T; older notation c.4974delT).
Protein change: p.Leu1659fs; shifts the reading frame from leucine 1659.
Molecular consequence: frameshift variant.
Genome position (GRCh38, 1-based): chr17:31,325,958, T deleted; the last of 3 consecutive T bases (chr17:31,325,956-31,325,958); deleting any one gives the same sequence. VCF-style (leftmost placement, unchanged base first): chr17-31325955-CT-C. GRCh37 (hg19) VCF-style: chr17-29652973-CT-C.
Other names: c.4911delT, p.Leu1638Serfs (NM_000267.4); short protein forms L1638fs, L1659fs.
Identifiers: ClinVar variation 946762 (VCV000946762.5), dbSNP rs2069329470, ClinGen allele CA1139665380.
Genomic context (GRCh38, chr17:31,325,955, plus strand): 5'-GCCATATGAAATTGTAGTGGACCTTACCCATACCGGGCCTAGCAATCGCTTTAAAACAGA[CT>C]TTCTCTCTAAGTGGTTTGTTGTTTTTCCTGGCTTTGCTTACGACAACGTCTCCGCAGTCT-3'